The following is an entry in ClinVar:

ClinVar aggregate classification (germline): Uncertain significance. Review status: criteria provided, multiple submitters, no conflicts (2 of 4 stars). 5 submissions from 5 submitters: Uncertain significance (5). Last evaluated 2025-03-08.

Conditions:
Hereditary cancer-predisposing syndrome. Also called: Hereditary Cancer Syndrome; Neoplastic Syndromes, Hereditary; Tumor predisposition; Hereditary neoplastic syndrome. Identifiers: Orphanet 140162, MedGen C0027672, MeSH D009386, MONDO:0015356.
Endometrial carcinoma. Also called: Endometrial carcinoma, somatic. Identifiers: MedGen C0476089, MONDO:0002447, OMIM 608089, HP:0012114.
Hereditary nonpolyposis colorectal neoplasms. Identifiers: MedGen C0009405, MeSH D003123.

Allele frequency attached by ClinVar (database versions not stated): gnomAD 0.00001.
gnomAD v4.1: 3 of 1,614,092 alleles (0.00019%); highest among the groups gnomAD compares: Middle Eastern, 0.016%; no homozygotes.

Submissions (5):

Ambry Genetics
Classification: Uncertain significance for Hereditary cancer-predisposing syndrome. Last evaluated: 2025-03-08. Review status: criteria provided, single submitter. Criteria: Ambry Variant Classification Scheme 2023. Collection method: clinical testing. Allele origin: germline.
Comment: The p.E286K variant (also known as c.856G>A), located in coding exon 4 of the MSH6 gene, results from a G to A substitution at nucleotide position 856. The glutamic acid at codon 286 is replaced by lysine, an amino acid with similar properties. This amino acid position is poorly conserved in available vertebrate species. In addition, the in silico prediction for this alteration is inconclusive. Since supporting evidence is limited at this time, the clinical significance of this alteration remains unclear.

GeneDx
Classification: Uncertain significance. Last evaluated: 2024-05-08. Review status: criteria provided, single submitter. Criteria: GeneDx Variant Classification Process June 2021. Collection method: clinical testing. Allele origin: germline. Affected: yes.
Comment: Not observed at significant frequency in large population cohorts (gnomAD); In silico analysis indicates that this missense variant does not alter protein structure/function; Has not been previously published as pathogenic or benign to our knowledge; This variant is associated with the following publications: (PMID: 21437237)

Labcorp Genetics (formerly Invitae), Labcorp
Classification: Uncertain significance for Hereditary nonpolyposis colorectal neoplasms. Last evaluated: 2023-12-25. Review status: criteria provided, single submitter. Criteria: Invitae Variant Classification Sherloc (09022015). Collection method: clinical testing. Allele origin: germline.
Comment: This sequence change replaces glutamic acid, which is acidic and polar, with lysine, which is basic and polar, at codon 286 of the MSH6 protein (p.Glu286Lys). This variant is not present in population databases (gnomAD no frequency). This variant has not been reported in the literature in individuals affected with MSH6-related conditions. ClinVar contains an entry for this variant (Variation ID: 479927). Advanced modeling of protein sequence and biophysical properties (such as structural, functional, and spatial information, amino acid conservation, physicochemical variation, residue mobility, and thermodynamic stability) performed at Invitae indicates that this missense variant is not expected to disrupt MSH6 protein function with a negative predictive value of 95%. In summary, the available evidence is currently insufficient to determine the role of this variant in disease. Therefore, it has been classified as a Variant of Uncertain Significance.

Baylor Genetics
Classification: Uncertain significance for Endometrial carcinoma. Last evaluated: 2023-05-04. Review status: criteria provided, single submitter. Criteria: ACMG Guidelines, 2015. Collection method: clinical testing. Allele origin: unknown.

Quest Diagnostics Nichols Institute San Juan Capistrano
Classification: Uncertain significance. Last evaluated: 2019-11-26. Review status: criteria provided, single submitter. Criteria: Quest Diagnostics criteria. Collection method: clinical testing. Allele origin: unknown.

NM_000179.3(MSH6):c.856G>A (p.Glu286Lys)

Gene: MSH6 (mutS homolog 6; plus strand). Cytogenetic location: 2p16.3.
Variant type: single nucleotide variant.
Coding change: c.856G>A on transcript NM_000179.3 (MANE Select); coding-DNA position 856, G replaced by A.
Protein change: p.Glu286Lys; replaces glutamic acid 286 with lysine.
Molecular consequence: missense variant. On other transcripts: 5 prime UTR variant (2).
Genome position (GRCh38, 1-based): chr2:47,798,839, G>A. VCF-style: chr2-47798839-G-A. GRCh37 (hg19) VCF-style: chr2-48025978-G-A.
Other names: c.466G>A, p.Glu156Lys (NM_001281492.2); c.-51G>A (NM_001281493.2, NM_001281494.2); short protein forms E286K, E156K.
Identifiers: ClinVar variation 479927 (VCV000479927.18), dbSNP rs1057520605, ClinGen allele CA346740573.